The following is an entry in ClinVar:

NM_005585.5(SMAD6):c.67G>A (p.Glu23Lys)

Gene: SMAD6 (SMAD family member 6; plus strand). Cytogenetic location: 15q22.31.
Variant type: single nucleotide variant.
Coding change: c.67G>A on transcript NM_005585.5 (MANE Select); coding-DNA position 67, G replaced by A.
Protein change: p.Glu23Lys; replaces glutamic acid 23 with lysine.
Molecular consequence: missense variant. On other transcripts: non-coding transcript variant (1).
Genome position (GRCh38, 1-based): chr15:66,703,325, G>A. VCF-style: chr15-66703325-G-A. GRCh37 (hg19) VCF-style: chr15-66995663-G-A.
Other names: short protein forms E23K.
Identifiers: ClinVar variation 2587748 (VCV002587748.2), dbSNP rs1370564947, ClinGen allele CA392948434.

ClinVar aggregate classification (germline): Uncertain significance (1 of 4 stars; one submission).

Conditions:
Inborn genetic diseases. Identifiers: MedGen C0950123, MeSH D030342.

Allele frequency attached by ClinVar (database versions not stated): TOPMed below 0.00001.

Submission:

Ambry Genetics
Classification: Uncertain significance for Inborn genetic diseases. Last evaluated: 2023-06-23. Review status: criteria provided, single submitter. Criteria: Ambry Variant Classification Scheme 2023. Collection method: clinical testing. Allele origin: germline.
Comment: The p.E23K variant (also known as c.67G>A), located in coding exon 1 of the SMAD6 gene, results from a G to A substitution at nucleotide position 67. The glutamic acid at codon 23 is replaced by lysine, an amino acid with similar properties. This amino acid position is conserved. In addition, this alteration is predicted to be tolerated by in silico analysis. Since supporting evidence is limited at this time, the clinical significance of this alteration remains unclear.